The following is an entry in ClinVar:

ClinVar aggregate classification (germline): Benign. Review status: criteria provided, multiple submitters, no conflicts (2 of 4 stars). 2 submissions from 2 submitters: Benign (2). Last evaluated 2013-02-14.

Allele frequency attached by ClinVar (database versions not stated): 1000 Genomes Project 0.00639; 1000 Genomes Project 30x 0.00890; gnomAD exomes 0.00117; gnomAD 0.00649 and 0.00704; ExAC 0.00189; TOPMed 0.00775.
gnomAD v4.1: 1,943 of 1,493,822 alleles (0.13%); highest among the groups gnomAD compares: African/African-American, 2.1%; 22 homozygotes.

Submissions (2):

GeneDx
Classification: Benign. Last evaluated: 2013-02-14. Review status: criteria provided, single submitter. Criteria: GeneDx Variant Classification (06012015). Collection method: clinical testing. Allele origin: germline. Affected: yes.
Comment: This variant is considered likely benign or benign based on one or more of the following criteria: it is a conservative change, it occurs at a poorly conserved position in the protein, it is predicted to be benign by multiple in silico algorithms, and/or has population frequency not consistent with disease.

Breakthrough Genomics
Classification: Benign. Review status: criteria provided, single submitter. Criteria: ACMG Guidelines, 2015. Collection method: not provided. Allele origin: germline. Inheritance: Autosomal dominant inheritance. Affected: yes.

NM_172107.4(KCNQ2):c.-11C>T

Gene: KCNQ2 (potassium voltage-gated channel subfamily Q member 2; minus strand). Cytogenetic location: 20q13.33.
Variant type: single nucleotide variant.
Coding change: c.-11C>T on transcript NM_172107.4 (MANE Select); 11 bases upstream of the start codon, C replaced by T.
Molecular consequence: 5 prime UTR variant.
Genome position (GRCh38, 1-based): chr20:63,472,474, G>A on the plus strand (C>T on the coding strand, the complement: KCNQ2 is on the minus strand). VCF-style: chr20-63472474-G-A. GRCh37 (hg19) VCF-style: chr20-62103827-G-A.
Other names: c.-11C>T (NM_004518.6, NM_172106.3, NM_172108.5 and 1 more transcripts).
Identifiers: ClinVar variation 138037 (VCV000138037.2), dbSNP rs182089624, ClinGen allele CA291826.
Genomic context (GRCh38, chr20:63,472,474, plus strand): 5'-TCCCCGCTCGGGCCGGGGTATACGCCGCCGTTGCGCGACTTCTGCACCATGGTGCCTGGC[G>A]GGAGGCGCCCCGGGTCGGGCTCAGGCTCAGCGGGGGCGGAGCGCGGGGGGCGGCGCGGGC-3'